The following is an entry in ClinVar:

ClinVar aggregate classification (germline): Uncertain significance. Review status: criteria provided, multiple submitters, no conflicts (2 of 4 stars). 4 submissions from 4 submitters: Uncertain significance (3). 1 of the submissions does not count toward it. Last evaluated 2026-08-22.

Conditions:
ABCC9-related disorder. Also called: ABCC9-related disorders; ABCC9-related condition.
Dilated cardiomyopathy 1O (CMD1O). Also called: CARDIOMYOPATHY, DILATED, WITH VENTRICULAR TACHYCARDIA. Identifiers: Orphanet 154, MedGen C1837839, MONDO:0012062, OMIM 608569.
Cardiovascular phenotype. Identifiers: MedGen CN230736.

Allele frequency attached by ClinVar (database versions not stated): gnomAD 0.00001; TOPMed 0.00001.
gnomAD v4.1: 36 of 1,613,724 alleles (0.0022%); highest among the groups gnomAD compares: Admixed American, 0.0067%; no homozygotes.

Submissions (4):

GeneDx
Classification: Uncertain significance. Last evaluated: 2026-08-22. Review status: criteria provided, single submitter. Criteria: GeneDx Variant Classification Process June 2021. Collection method: clinical testing. Allele origin: germline.
Comment: Identified in a patient with HCM and LVNC in published literature (PMID: 33302605); the variant was also identified in this patient's mother with LVNC; In silico analysis supports that this missense variant has a deleterious effect on protein structure/function; This variant is associated with the following publications: (PMID: 33302605)

Ambry Genetics
Classification: Uncertain significance for Cardiovascular phenotype. Last evaluated: 2025-01-24. Review status: criteria provided, single submitter. Criteria: Ambry Variant Classification Scheme 2023. Collection method: clinical testing. Allele origin: germline.
Comment: The p.I1092S variant (also known as c.3275T>G), located in coding exon 26 of the ABCC9 gene, results from a T to G substitution at nucleotide position 3275. The isoleucine at codon 1092 is replaced by serine, an amino acid with dissimilar properties. This amino acid position is highly conserved in available vertebrate species. In addition, this alteration is predicted to be deleterious by in silico analysis. Since supporting evidence is limited at this time, the clinical significance of this alteration remains unclear.

Labcorp Genetics (formerly Invitae), Labcorp
Classification: Uncertain significance for Dilated cardiomyopathy 1O. Last evaluated: 2024-05-01. Review status: criteria provided, single submitter. Criteria: Invitae Variant Classification Sherloc (09022015). Collection method: clinical testing. Allele origin: germline.
Comment: This sequence change replaces isoleucine, which is neutral and non-polar, with serine, which is neutral and polar, at codon 1092 of the ABCC9 protein (p.Ile1092Ser). This variant is present in population databases (rs182158174, gnomAD 0.01%). This missense change has been observed in individual(s) with hypertrophic cardiomyopathy (PMID: 33302605). ClinVar contains an entry for this variant (Variation ID: 846878). Advanced modeling of protein sequence and biophysical properties (such as structural, functional, and spatial information, amino acid conservation, physicochemical variation, residue mobility, and thermodynamic stability) performed at Invitae indicates that this missense variant is expected to disrupt ABCC9 protein function with a positive predictive value of 80%. In summary, the available evidence is currently insufficient to determine the role of this variant in disease. Therefore, it has been classified as a Variant of Uncertain Significance.

PreventionGenetics, part of Exact Sciences
Classification: Uncertain significance for ABCC9-related condition. Last evaluated: 2024-07-17. Review status: no assertion criteria provided. Collection method: clinical testing. Allele origin: germline. Not counted in ClinVar's aggregate classification.
Comment: The ABCC9 c.3275T>G variant is predicted to result in the amino acid substitution p.Ile1092Ser. This variant was inherited from this individual’s mother with muscular ventricular septal defect and left ventricular noncompaction (Fernlund et al. 2020. PubMed ID: 33302605). This variant is reported in 0.011% of alleles in individuals of European (Non-Finnish) descent in gnomAD. At this time, the clinical significance of this variant is uncertain due to the absence of conclusive functional and genetic evidence.

Literature cited by the submitters: PubMed 33302605 (cited by Labcorp Genetics (formerly Invitae), Labcorp).

NM_020297.4(ABCC9):c.3275T>G (p.Ile1092Ser)

Gene: ABCC9 (ATP binding cassette subfamily C member 9; minus strand). Cytogenetic location: 12p12.1.
Variant type: single nucleotide variant.
Coding change: c.3275T>G on transcript NM_020297.4 (MANE Select); coding-DNA position 3275, T replaced by G.
Protein change: p.Ile1092Ser; replaces isoleucine 1092 with serine.
Molecular consequence: missense variant.
Genome position (GRCh38, 1-based): chr12:21,844,523, A>C on the plus strand (T>G on the coding strand, the complement: ABCC9 is on the minus strand). VCF-style: chr12-21844523-A-C. GRCh37 (hg19) VCF-style: chr12-21997457-A-C.
Other names: c.3275T>G, p.Ile1092Ser (NM_001377273.1, NM_005691.4); c.2408T>G, p.Ile803Ser (NM_001377274.1); c.3275T>G (NM_020297.2, NM_020297.3); short protein forms I1092S, I803S.
Identifiers: ClinVar variation 846878 (VCV000846878.15), dbSNP rs182158174, ClinGen allele CA6481145.